The following is an entry in ClinVar:

ClinVar aggregate classification (germline): Pathogenic/Likely pathogenic. Review status: criteria provided, multiple submitters, no conflicts (2 of 4 stars). 4 submissions from 4 submitters: Pathogenic (2); Likely pathogenic (2). Last evaluated 2024-05-08.

Conditions:
Retinitis pigmentosa 25 (RP25). Identifiers: Orphanet 791, MedGen C1864446, MONDO:0011272, OMIM 602772.
EYS-related disorder. Also called: EYS-related condition.

Allele frequency attached by ClinVar (database versions not stated): TOPMed below 0.00001; gnomAD 0.00001.
gnomAD v4.1: 3 of 1,551,098 alleles (0.00019%); highest among the groups gnomAD compares: Non-Finnish European, 0.00017%; no homozygotes.

Submissions (4):

Myriad Genetics, Inc.
Classification: Pathogenic for Retinitis pigmentosa 25. Last evaluated: 2024-05-08. Review status: criteria provided, single submitter. Criteria: Myriad Autosomal Dominant, Autosomal Recessive and X-Linked Classification Criteria (2023). Collection method: clinical testing. Allele origin: unknown.
Comment: NM_001142800.1(EYS):c.4199C>A(S1400*) is expected to be pathogenic in the context of retinitis pigmentosa, EYS-related. This variant is predicted to lead to an abnormal or absent protein product due to the creation of a premature termination codon in EYS, a gene where loss-of-function variants are known to be pathogenic. Please note: this variant was assessed in the context of healthy population screening.

Baylor Genetics
Classification: Likely pathogenic for Retinitis pigmentosa 25. Last evaluated: 2024-03-04. Review status: criteria provided, single submitter. Criteria: ACMG Guidelines, 2015. Collection method: clinical testing. Allele origin: unknown.

Labcorp Genetics (formerly Invitae), Labcorp
Classification: Pathogenic. Last evaluated: 2023-12-09. Review status: criteria provided, single submitter. Criteria: Invitae Variant Classification Sherloc (09022015). Collection method: clinical testing. Allele origin: germline.
Comment: This sequence change creates a premature translational stop signal (p.Ser1400*) in the EYS gene. It is expected to result in an absent or disrupted protein product. Loss-of-function variants in EYS are known to be pathogenic (PMID: 18836446, 20333770). This variant is not present in population databases (gnomAD no frequency). This variant has not been reported in the literature in individuals affected with EYS-related conditions. ClinVar contains an entry for this variant (Variation ID: 853292). Algorithms developed to predict the effect of sequence changes on RNA splicing suggest that this variant may create or strengthen a splice site. For these reasons, this variant has been classified as Pathogenic.

Blueprint Genetics
Classification: Likely pathogenic for EYS-related disorders. Last evaluated: 2023-04-19. Review status: criteria provided, single submitter. Criteria: ACMG Guidelines, 2015. Collection method: clinical testing. Allele origin: germline. Affected: yes. Observed: 3 variant alleles.

Literature cited by the submitters: PubMed 18836446 (cited by Labcorp Genetics (formerly Invitae), Labcorp); PubMed 20333770 (cited by Labcorp Genetics (formerly Invitae), Labcorp).

NM_001142800.2(EYS):c.4199C>A (p.Ser1400Ter)

Gene: EYS (EGF-like photoreceptor maintenance factor; minus strand). Cytogenetic location: 6q12.
Variant type: single nucleotide variant.
Coding change: c.4199C>A on transcript NM_001142800.2 (MANE Select); coding-DNA position 4199, C replaced by A.
Protein change: p.Ser1400Ter; replaces serine 1400 with a stop codon.
Molecular consequence: nonsense.
Genome position (GRCh38, 1-based): chr6:64,591,668, G>T on the plus strand (C>A on the coding strand, the complement: EYS is on the minus strand). VCF-style: chr6-64591668-G-T. GRCh37 (hg19) VCF-style: chr6-65301561-G-T.
Other names: c.4199C>A, p.Ser1400Ter (NM_001292009.2); short protein forms S1400*.
Identifiers: ClinVar variation 853292 (VCV000853292.13), dbSNP rs1245304444, ClinGen allele CA364783834.
Genomic context (GRCh38, chr6:64,591,668, plus strand): 5'-GATAAAGCAACAGTCTGACAGTTCTCAAATAATAAAGATTGTGTAGGAAAAATAAAATCT[G>T]ACATTAAGGAAGACATGATAAATGGGGTCCTTGCTCTCCTATCAGGAAAAAAGAAACCTA-3'